The following is an entry in ClinVar:

NM_001332.4(CTNND2):c.662C>T (p.Pro221Leu)

Gene: CTNND2 (catenin delta 2; minus strand). Cytogenetic location: 5p15.2.
Variant type: single nucleotide variant.
Coding change: c.662C>T on transcript NM_001332.4 (MANE Select); coding-DNA position 662, C replaced by T.
Protein change: p.Pro221Leu; replaces proline 221 with leucine.
Molecular consequence: missense variant. On other transcripts: intron variant (3).
Genome position (GRCh38, 1-based): chr5:11,385,180, G>A on the plus strand (C>T on the coding strand, the complement: CTNND2 is on the minus strand). VCF-style: chr5-11385180-G-A. GRCh37 (hg19) VCF-style: chr5-11385292-G-A.
Other names: c.389C>T, p.Pro130Leu (NM_001288715.1); c.-123+11851C>T (NM_001288717.2); c.167-20290C>T (NM_001364128.2, NM_001288716.1); short protein forms P130L, P221L.
Identifiers: ClinVar variation 1316756 (VCV001316756.7), dbSNP rs1016219246, ClinGen allele CA114394866.
Genomic context (GRCh38, chr5:11,385,180, plus strand): 5'-GGCAGGTGGAAGGCGCTGCCCAGGCTGGGCGCGAACGGCTCCCGCGGCGGCGGCGGCGGC[G>A]GCGGCGCGGGCTCGGGCCCCGCCAGGTGGCCGGCGCGGCTGGTCGTGCCCTGTGCCCGGG-3'
Protein context (NP_001323.1, residues 211-231): GHLAGPEPAP[Pro221Leu]PPPPPREPFA

ClinVar aggregate classification (germline): Conflicting classifications of pathogenicity. Review status: criteria provided, conflicting classifications (1 of 4 stars). 3 submissions from 3 submitters: Uncertain significance (2); Likely benign (1). Last evaluated 2022-09-02.

Conditions:
Inborn genetic diseases. Identifiers: MedGen C0950123, MeSH D030342.
Neurodevelopmental disorder. Identifiers: MedGen C1535926, MeSH D065886, MONDO:0700092.

Allele frequency attached by ClinVar (database versions not stated): gnomAD 0.00014 and 0.00015; TOPMed 0.00019; gnomAD exomes 0.00054.
gnomAD v4.1: 491 of 1,044,136 alleles (0.047%); highest among the groups gnomAD compares: Non-Finnish European, 0.055%; no homozygotes.

Submissions (3):

Victorian Clinical Genetics Services, Murdoch Childrens Research Institute
Classification: Uncertain significance for Neurodevelopmental disorder. Last evaluated: 2022-09-02. Review status: criteria provided, single submitter. Criteria: ACMG Guidelines, 2015. Collection method: clinical testing. Allele origin: germline. Inheritance: Autosomal dominant inheritance. Affected: yes.
Comment: A heterozygous missense variant was identified, NM_001332.3(CTNND2):c.662C>T in exon 7 of 22 of the CTNND2 gene (NB: this variant is non-coding in alternative transcripts). This substitution is predicted to create a moderate amino acid change from a proline to a leucine at position 221 of the protein; NP_001323.1(CTNND2):p.(Pro221Leu). The proline at this position has low conservation (100 vertebrates, UCSC), and is located within the PHA03307 super family (NCBI). In silico software predictions of the pathogenicity of this variant are conflicting (Polyphen, SIFT, CADD, Mutation Taster). The variant is present in the gnomAD population database with a reduced allele count at a frequency of 0.0079% (2 heterozygotes, 0 homozygotes). This variant has not previously been reported in clinical cases. Based on information available at the time of curation, this variant has been classified as a VUS.

Ambry Genetics
Classification: Uncertain significance for Inborn genetic diseases. Last evaluated: 2022-01-18. Review status: criteria provided, single submitter. Criteria: Ambry Variant Classification Scheme 2023. Collection method: clinical testing. Allele origin: germline.

GeneDx
Classification: Likely benign. Last evaluated: 2020-07-24. Review status: criteria provided, single submitter. Criteria: GeneDx Variant Classification Process June 2021. Collection method: clinical testing. Allele origin: germline. Affected: yes.